The following is an entry in ClinVar:

ClinVar aggregate classification (germline): Uncertain significance (1 of 4 stars; one submission).

Conditions:
Emery-Dreifuss muscular dystrophy 4, autosomal dominant (EDMD4). Also called: EMERY-DREIFUSS MUSCULAR DYSTROPHY 4 WITH VARIABLE FEATURES. Identifiers: Orphanet 261, MedGen C2751807, MONDO:0013071, OMIM 612998.
Autosomal recessive ataxia, Beauce type. Also called: SYNE1-Related Autosomal Recessive Cerebellar Ataxia; Spinocerebellar ataxia, autosomal recessive 8; ATAXIA, RECESSIVE, OF BEAUCE; SYNE1 Deficiency. Identifiers: Orphanet 88644, MedGen C1853116, MONDO:0012549, OMIM 610743.

Allele frequency attached by ClinVar (database versions not stated): ExAC 0.00001; gnomAD 0.00001; gnomAD exomes 0.00001 and 0.00002.
gnomAD v4.1: 12 of 1,614,084 alleles (0.00074%); highest among the groups gnomAD compares: South Asian, 0.013%; no homozygotes.

Submission:

Labcorp Genetics (formerly Invitae), Labcorp
Classification: Uncertain significance for Emery-Dreifuss muscular dystrophy 4, autosomal dominant; Autosomal recessive ataxia, Beauce type. Last evaluated: 2025-12-01. Review status: criteria provided, single submitter. Criteria: Invitae Variant Classification Sherloc (09022015). Collection method: clinical testing. Allele origin: germline.
Comment: This sequence change replaces leucine, which is neutral and non-polar, with glutamine, which is neutral and polar, at codon 4947 of the SYNE1 protein (p.Leu4947Gln). This variant is present in population databases (rs772978925, gnomAD 0.02%). This variant has not been reported in the literature in individuals affected with SYNE1-related conditions. ClinVar contains an entry for this variant (Variation ID: 1387576). An algorithm developed to predict the effect of missense changes on protein structure and function (PolyPhen-2) suggests that this variant is likely to be tolerated. In summary, the available evidence is currently insufficient to determine the role of this variant in disease. Therefore, it has been classified as a Variant of Uncertain Significance.

NM_182961.4(SYNE1):c.15053T>A (p.Leu5018Gln)

Gene: SYNE1 (spectrin repeat containing nuclear envelope protein 1; minus strand). Cytogenetic location: 6q25.2.
Variant type: single nucleotide variant.
Coding change: c.15053T>A on transcript NM_182961.4 (MANE Select); coding-DNA position 15053, T replaced by A.
Protein change: p.Leu5018Gln; replaces leucine 5018 with glutamine.
Molecular consequence: missense variant.
Genome position (GRCh38, 1-based): chr6:152,326,536, A>T on the plus strand (T>A on the coding strand, the complement: SYNE1 is on the minus strand). VCF-style: chr6-152326536-A-T. GRCh37 (hg19) VCF-style: chr6-152647671-A-T.
Other names: c.14840T>A, p.Leu4947Gln (NM_033071.5); short protein forms L5018Q, L4947Q.
Identifiers: ClinVar variation 1387576 (VCV001387576.6), dbSNP rs772978925, ClinGen allele CA4055884.